The following is an entry in ClinVar:

NM_001151.4(SLC25A4):c.80C>T (p.Ala27Val)

Gene: SLC25A4 (solute carrier family 25 member 4; plus strand). Cytogenetic location: 4q35.1.
Variant type: single nucleotide variant.
Coding change: c.80C>T on transcript NM_001151.4 (MANE Select); coding-DNA position 80, C replaced by T.
Protein change: p.Ala27Val; replaces alanine 27 with valine.
Molecular consequence: missense variant.
Genome position (GRCh38, 1-based): chr4:185,143,452, C>T. VCF-style: chr4-185143452-C-T. GRCh37 (hg19) VCF-style: chr4-186064606-C-T.
Other names: short protein forms A27V.
Identifiers: ClinVar variation 4530695 (VCV004530695.1).
Genomic context (GRCh38, chr4:185,143,452, plus strand): 5'-GCTTCCTAAAGGACTTCCTGGCCGGGGGCGTCGCCGCTGCCGTCTCCAAGACCGCGGTCG[C>T]CCCCATCGAGAGGGTCAAACTGCTGCTGCAGGTGAGGACCGCGCGGTGCAAGAGGCGGGC-3'
Protein context (NP_001142.2, residues 17-37): VAAAVSKTAV[Ala27Val]PIERVKLLLQ

ClinVar aggregate classification (germline): Uncertain significance (1 of 4 stars; one submission).

Conditions:
Primary familial hypertrophic cardiomyopathy (HCM). Identifiers: Orphanet 99739, MedGen C0949658, MeSH D024741, MONDO:0024573. Inheritance: Various modes of inheritance.

gnomAD v4.1: 1 of 1,503,936 alleles (0.000066%); highest among the groups gnomAD compares: Non-Finnish European, 0.000089%; no homozygotes.

Submission:

Petrovsky National Research Centre of Surgery, The Federal Agency for Scientific Organizations
Classification: Uncertain significance for Primary familial hypertrophic cardiomyopathy. Last evaluated: 2025-11-18. Review status: criteria provided, single submitter. Criteria: ACMG Guidelines, 2015. Collection method: research. Allele origin: unknown. Inheritance: Autosomal dominant inheritance. Affected: yes. Observed: 1 heterozygote.
Comment: Variant NM_001151.4:c.80C>T (p. Ala27Val) is absent in The Genome Aggregation Database (gnomAD) v4.1.0 (Date of access with 18-11-2025). Clinvar doesn’t contain an entry for this variant. This variant has not been reported in any study to our knowledge. Computational evidence supports a deleterious effect on the gene or gene product: REVEL score=0.827>0.7(PP3). In accordance with ACMG(2015) criteria this variant is classified as Variant of Uncertain Significance (VUS) with following criteria selected: PM2, PP3.